The following is an entry in ClinVar:

ClinVar aggregate classification (germline): Uncertain significance (1 of 4 stars; one submission).

gnomAD v4.1: 4 of 1,602,500 alleles (0.00025%); highest among the groups gnomAD compares: Admixed American, 0.0051%; no homozygotes.

Submission:

Labcorp Genetics (formerly Invitae), Labcorp
Classification: Uncertain significance. Last evaluated: 2025-02-10. Review status: criteria provided, single submitter. Criteria: Invitae Variant Classification Sherloc (09022015). Collection method: clinical testing. Allele origin: germline.
Comment: This sequence change replaces leucine, which is neutral and non-polar, with phenylalanine, which is neutral and non-polar, at codon 1591 of the NIN protein (p.Leu1591Phe). This variant is present in population databases (rs779685053, gnomAD 0.006%). This variant has not been reported in the literature in individuals affected with NIN-related conditions. An algorithm developed to predict the effect of missense changes on protein structure and function (PolyPhen-2) suggests that this variant is likely to be tolerated. In summary, the available evidence is currently insufficient to determine the role of this variant in disease. Therefore, it has been classified as a Variant of Uncertain Significance.

NM_020921.4(NIN):c.4773G>C (p.Leu1591Phe)

Gene: NIN (ninein; minus strand). Cytogenetic location: 14q22.1.
Variant type: single nucleotide variant.
Coding change: c.4773G>C on transcript NM_020921.4 (MANE Select); coding-DNA position 4773, G replaced by C.
Protein change: p.Leu1591Phe; replaces leucine 1591 with phenylalanine.
Molecular consequence: missense variant.
Genome position (GRCh38, 1-based): chr14:50,752,695, C>G on the plus strand (G>C on the coding strand, the complement: NIN is on the minus strand). VCF-style: chr14-50752695-C-G. GRCh37 (hg19) VCF-style: chr14-51219413-C-G.
Other names: c.2634G>C, p.Leu878Phe (NM_016350.5); c.4773G>C, p.Leu1591Phe (NM_182944.3, NM_182946.2); short protein forms L1591F, L878F.
Identifiers: ClinVar variation 3603522 (VCV003603522.2).